The following is an entry in ClinVar:

ClinVar aggregate classification (germline): Conflicting classifications of pathogenicity. Review status: criteria provided, conflicting classifications (1 of 4 stars). 2 submissions from 2 submitters: Uncertain significance (1); Benign (1). Last evaluated 2025-06-09.

Conditions:
Tuberous sclerosis syndrome (TSC). Also called: Tuberous Sclerosis Complex; Tuberous sclerosis. Identifiers: Orphanet 805, MedGen C0041341, MONDO:0001734.
Tuberous sclerosis 2 (TSC2). Identifiers: Orphanet 805, MedGen C1860707, MONDO:0013199, OMIM 613254.

gnomAD v4.1: 4 of 1,600,050 alleles (0.00025%); highest among the groups gnomAD compares: South Asian, 0.0011%; no homozygotes.

Submissions (2):

Myriad Genetics, Inc.
Classification: Benign for Tuberous sclerosis 2. Last evaluated: 2025-06-09. Review status: criteria provided, single submitter. Criteria: Myriad Autosomal Dominant, Autosomal Recessive and X-Linked Classification Criteria (2023). Collection method: clinical testing. Allele origin: unknown.
Comment: This variant is considered benign. This variant occurs in the non-coding 3' untranslated region of the gene, and is not expected to impact protein function.

All of Us Research Program, National Institutes of Health
Classification: Uncertain significance for Tuberous sclerosis syndrome. Last evaluated: 2023-05-04. Review status: criteria provided, single submitter. Criteria: ACMG Guidelines, 2015. Collection method: clinical testing. Allele origin: germline. Inheritance: Autosomal dominant inheritance. Observed: 1 variant allele, 1 heterozygote.
Comment: This variant is located in the 3' untranslated region of the TSC2 gene. To our knowledge, functional studies have not been reported for this variant. This variant has not been reported in individuals affected with TSC2-related disorders in the literature. This variant has been identified in 1/234362 chromosomes in the general population by the Genome Aggregation Database (gnomAD). The available evidence is insufficient to determine the role of this variant in disease conclusively. Therefore, this variant is classified as a Variant of Uncertain Significance.

This study involves interpretation of variants in research participants for the purpose of population health screening. Participant phenotype was not available at the time of variant classification. Additional details can be found in publication PMID: 35346344, PMCID: PMC8962531

NM_000548.5(TSC2):c.*5G>T

Gene: TSC2 (TSC complex subunit 2; plus strand). Cytogenetic location: 16p13.3.
Variant type: single nucleotide variant.
Coding change: c.*5G>T on transcript NM_000548.5 (MANE Select); 5 bases downstream of the stop codon, G replaced by T.
Molecular consequence: 3 prime UTR variant. On other transcripts: non-coding transcript variant (5).
Genome position (GRCh38, 1-based): chr16:2,088,615, G>T. VCF-style: chr16-2088615-G-T. GRCh37 (hg19) VCF-style: chr16-2138616-G-T.
Other names: c.*5G>T (NM_001077183.3, NM_001114382.3, NM_001318827.2 and 39 more transcripts).
Identifiers: ClinVar variation 3070696 (VCV003070696.2), dbSNP rs201342697, ClinGen allele CA620705139.
Genomic context (GRCh38, chr16:2,088,615, plus strand): 5'-TGGGCCAGCGGAAGCGCCTCATCTCCTCGGTGGAGGACTTCACCGAGTTTGTGTGAGGCC[G>T]GGGCCCTCCCTCCTGCACTGGCCTTGGACGGTATTGCCTGTCAGTGAAATAAATAAAGTC-3'